The following is an entry in ClinVar:

ClinVar aggregate classification (germline): Uncertain significance. Review status: criteria provided, multiple submitters, no conflicts (2 of 4 stars). 4 submissions from 4 submitters: Uncertain significance (3). 1 of the submissions does not count toward it. Last evaluated 2025-08-31.

Conditions:
POLG-related disorder. Also called: POLG-Related Spectrum Disorders; POLG-related condition; POLG-Related Disorders. Identifiers: MedGen C4763519.
Progressive sclerosing poliodystrophy (MTDPS4A). Also called: ALPERS PROGRESSIVE INFANTILE POLIODYSTROPHY; NEURONAL DEGENERATION OF CHILDHOOD WITH LIVER DISEASE, PROGRESSIVE; Mitochondrial DNA depletion syndrome 4A (Alpers type); Mitochondrial DNA Depletion Syndrome 4A; Alpers-Huttenlocher Syndrome (AHS); Alpers Syndrome. Identifiers: Orphanet 726, MedGen C0205710, MONDO:0008758, OMIM 203700.
Inborn genetic diseases. Identifiers: MedGen C0950123, MeSH D030342.

gnomAD v4.1: 2 of 1,613,508 alleles (0.00012%); no homozygotes.

Submissions (4):

Ambry Genetics
Classification: Uncertain significance for Inborn genetic diseases. Last evaluated: 2025-08-31. Review status: criteria provided, single submitter. Criteria: Ambry Variant Classification Scheme 2023. Collection method: clinical testing. Allele origin: germline.

Labcorp Genetics (formerly Invitae), Labcorp
Classification: Uncertain significance for Progressive sclerosing poliodystrophy. Last evaluated: 2023-08-31. Review status: criteria provided, single submitter. Criteria: Invitae Variant Classification Sherloc (09022015). Collection method: clinical testing. Allele origin: germline.
Comment: In summary, the available evidence is currently insufficient to determine the role of this variant in disease. Therefore, it has been classified as a Variant of Uncertain Significance. Advanced modeling of protein sequence and biophysical properties (such as structural, functional, and spatial information, amino acid conservation, physicochemical variation, residue mobility, and thermodynamic stability) performed at Invitae indicates that this missense variant is not expected to disrupt POLG protein function. This variant has not been reported in the literature in individuals affected with POLG-related conditions. This variant is not present in population databases (gnomAD no frequency). This sequence change replaces alanine, which is neutral and non-polar, with aspartic acid, which is acidic and polar, at codon 242 of the POLG protein (p.Ala242Asp).

Mayo Clinic Laboratories, Mayo Clinic
Classification: Uncertain significance. Last evaluated: 2023-01-25. Review status: criteria provided, single submitter. Criteria: ACMG Guidelines, 2015. Collection method: clinical testing. Allele origin: germline. Observed: 1 variant allele.
Comment: PM2

PreventionGenetics, part of Exact Sciences
Classification: Uncertain significance for POLG-related condition. Last evaluated: 2024-03-08. Review status: no assertion criteria provided. Collection method: clinical testing. Allele origin: germline. Not counted in ClinVar's aggregate classification.
Comment: The POLG c.725C>A variant is predicted to result in the amino acid substitution p.Ala242Asp. To our knowledge, this variant has not been reported in the literature or in a large population database, indicating this variant is rare. At this time, the clinical significance of this variant is uncertain due to the absence of conclusive functional and genetic evidence.

NM_002693.3(POLG):c.725C>A (p.Ala242Asp)

Genes: POLG (DNA polymerase gamma, catalytic subunit; minus strand), POLGARF (POLG alternative reading frame; minus strand). Cytogenetic location: 15q26.1.
Variant type: single nucleotide variant.
Coding change: c.725C>A on transcript NM_002693.3 (MANE Select); coding-DNA position 725, C replaced by A.
Protein change: p.Ala242Asp; replaces alanine 242 with aspartic acid.
Molecular consequence: missense variant.
Genome position (GRCh38, 1-based): chr15:89,330,211, G>T on the plus strand (C>A on the coding strand, the complement: POLG is on the minus strand). VCF-style: chr15-89330211-G-T. GRCh37 (hg19) VCF-style: chr15-89873442-G-T.
Other names: p.Ala242Asp; c.725C>A, p.Ala242Asp (NM_001126131.2); short protein forms A242D.
Identifiers: ClinVar variation 2683328 (VCV002683328.5), dbSNP rs1331337530, ClinGen allele CA393767066.